The following is an entry in ClinVar:

NM_053025.4(MYLK):c.-75A>G

Gene: MYLK (myosin light chain kinase; minus strand). Cytogenetic location: 3q21.1.
Variant type: single nucleotide variant.
Coding change: c.-75A>G on transcript NM_053025.4 (MANE Select); 75 bases upstream of the start codon, A replaced by G.
Molecular consequence: 5 prime UTR variant.
Genome position (GRCh38, 1-based): chr3:123,831,619, T>C on the plus strand (A>G on the coding strand, the complement: MYLK is on the minus strand). VCF-style: chr3-123831619-T-C. GRCh37 (hg19) VCF-style: chr3-123550466-T-C.
Other names: c.-395A>G (NM_001321309.2); c.-75A>G (NM_053026.4, NM_053027.4, NM_053028.4).
Identifiers: ClinVar variation 899819 (VCV000899819.4), dbSNP rs75245913, ClinGen allele CA82943835.

ClinVar aggregate classification (germline): Likely benign (1 of 4 stars; one submission).

Conditions:
Aortic aneurysm, familial thoracic 7 (AAT7). Also called: AORTIC DISSECTION, FAMILIAL, WITH OR WITHOUT AORTIC ANEURYSM. Identifiers: MedGen C3151077, MONDO:0013418, OMIM 613780.

Allele frequency attached by ClinVar (database versions not stated): gnomAD 0.00015 and 0.00062; TOPMed 0.00030; gnomAD exomes 0.00197; 1000 Genomes Project 30x 0.00453; 1000 Genomes Project 0.00519.
gnomAD v4.1: 359 of 292,316 alleles (0.12%); highest among the groups gnomAD compares: South Asian, 0.96%; 7 homozygotes.

Submission:

Illumina Laboratory Services, Illumina
Classification: Likely benign for Aortic aneurysm, familial thoracic 7. Last evaluated: 2017-04-27. Review status: criteria provided, single submitter. Criteria: ICSL Variant Classification Criteria 13 December 2019. Collection method: clinical testing. Allele origin: germline.
Comment: This variant was observed as part of a predisposition screen in an ostensibly healthy population. A literature search was performed for the gene, cDNA change, and amino acid change (where applicable). No publications were found based on this search. Allele frequency data from public databases allowed determination this variant is unlikely to cause disease. Therefore, this variant is classified as likely benign.